The following is an entry in ClinVar:

NM_001370298.3(FGD4):c.953G>A (p.Arg318Lys)

Gene: FGD4 (FYVE, RhoGEF and PH domain containing 4; plus strand). Cytogenetic location: 12p11.21.
Variant type: single nucleotide variant.
Coding change: c.953G>A on transcript NM_001370298.3 (MANE Select); coding-DNA position 953, G replaced by A.
Protein change: p.Arg318Lys; replaces arginine 318 with lysine.
Molecular consequence: missense variant. On other transcripts: 5 prime UTR variant (2), non-coding transcript variant (1), intron variant (1).
Genome position (GRCh38, 1-based): chr12:32,582,409, G>A. VCF-style: chr12-32582409-G-A. GRCh37 (hg19) VCF-style: chr12-32735343-G-A.
Other names: c.797G>A, p.Arg266Lys (NM_001304481.2); c.-303G>A (NM_001304483.2); c.-610G>A (NM_001304484.2); c.263G>A, p.Arg88Lys (NM_001330373.2, NM_001330374.2, NM_001384130.1); c.953G>A, p.Arg318Lys (NM_001384126.1); c.542G>A, p.Arg181Lys (NM_001384127.1, NM_001384128.1, NM_001384131.1 and 3 more transcripts); c.49-16088G>A (NM_001370297.1); short protein forms R181K, R266K, R88K, R318K.
Identifiers: ClinVar variation 582380 (VCV000582380.7), dbSNP rs750143546, ClinGen allele CA6506653.

ClinVar aggregate classification (germline): Uncertain significance (1 of 4 stars; one submission).

Conditions:
Charcot-Marie-Tooth disease type 4. Also called: Charcot-Marie-Tooth, Type 4; Charcot-Marie-Tooth disease, type IV. Identifiers: Orphanet 64749, MedGen C4082197, MONDO:0018995.

Allele frequency attached by ClinVar (database versions not stated): gnomAD 0.00003; gnomAD exomes 0.00004 and 0.00009; TOPMed 0.00004; ExAC 0.00008.
gnomAD v4.1: 31 of 1,613,688 alleles (0.0019%); highest among the groups gnomAD compares: Admixed American, 0.048%; no homozygotes.

Submission:

Labcorp Genetics (formerly Invitae), Labcorp
Classification: Uncertain significance for Charcot-Marie-Tooth disease type 4. Last evaluated: 2025-09-02. Review status: criteria provided, single submitter. Criteria: Invitae Variant Classification Sherloc (09022015). Collection method: clinical testing. Allele origin: germline.
Comment: This sequence change replaces arginine, which is basic and polar, with lysine, which is basic and polar, at codon 181 of the FGD4 protein (p.Arg181Lys). This variant is present in population databases (rs750143546, gnomAD 0.07%). This variant has not been reported in the literature in individuals affected with FGD4-related conditions. ClinVar contains an entry for this variant (Variation ID: 582380). Invitae Evidence Modeling of protein sequence and biophysical properties (such as structural, functional, and spatial information, amino acid conservation, physicochemical variation, residue mobility, and thermodynamic stability) indicates that this missense variant is not expected to disrupt FGD4 protein function with a negative predictive value of 80%. In summary, the available evidence is currently insufficient to determine the role of this variant in disease. Therefore, it has been classified as a Variant of Uncertain Significance.